The following is an entry in ClinVar:

ClinVar aggregate classification (germline): Uncertain significance. Review status: criteria provided, multiple submitters, no conflicts (2 of 4 stars). 2 submissions from 2 submitters: Uncertain significance (2). Last evaluated 2025-04-21.

Conditions:
Wilms tumor 1 (WT1). Also called: Wilms tumor, somatic. Identifiers: Orphanet 654, MedGen CN033288, MONDO:0008679, OMIM 194070.

Allele frequency attached by ClinVar (database versions not stated): gnomAD exomes 0.00001; ExAC 0.00002.

Submissions (2):

Women's Health and Genetics/Laboratory Corporation of America, LabCorp
Classification: Uncertain significance. Last evaluated: 2025-04-21. Review status: criteria provided, single submitter. Criteria: LabCorp Variant Classification Summary - May 2015. Collection method: clinical testing. Allele origin: germline.
Comment: Variant summary: GPC3 c.919G>C (p.Val307Leu) results in a conservative amino acid change in the encoded protein sequence. Five of five in-silico tools predict a benign effect of the variant on protein function. The variant allele was found at a frequency of 5.5e-06 in 183334 control chromosomes. The available data on variant occurrences in the general population are insufficient to allow any conclusion about variant significance. To our knowledge, no occurrence of c.919G>C in individuals affected with Simpson-Golabi-Behmel Syndrome, Type 1 and no experimental evidence demonstrating its impact on protein function have been reported. ClinVar contains an entry for this variant (Variation ID: 578583). Based on the evidence outlined above, the variant was classified as uncertain significance.

Labcorp Genetics (formerly Invitae), Labcorp
Classification: Uncertain significance for Wilms tumor 1. Last evaluated: 2024-04-15. Review status: criteria provided, single submitter. Criteria: Invitae Variant Classification Sherloc (09022015). Collection method: clinical testing. Allele origin: germline.
Comment: This sequence change replaces valine, which is neutral and non-polar, with leucine, which is neutral and non-polar, at codon 307 of the GPC3 protein (p.Val307Leu). This variant is present in population databases (rs780001214, gnomAD 0.001%). This variant has not been reported in the literature in individuals affected with GPC3-related conditions. ClinVar contains an entry for this variant (Variation ID: 578583). Advanced modeling of protein sequence and biophysical properties (such as structural, functional, and spatial information, amino acid conservation, physicochemical variation, residue mobility, and thermodynamic stability) performed at Invitae indicates that this missense variant is not expected to disrupt GPC3 protein function with a negative predictive value of 80%. In summary, the available evidence is currently insufficient to determine the role of this variant in disease. Therefore, it has been classified as a Variant of Uncertain Significance.

NM_004484.4(GPC3):c.919G>C (p.Val307Leu)

Gene: GPC3 (glypican 3; minus strand). Cytogenetic location: Xq26.2.
Variant type: single nucleotide variant.
Coding change: c.919G>C on transcript NM_004484.4 (MANE Select); coding-DNA position 919, G replaced by C.
Protein change: p.Val307Leu; replaces valine 307 with leucine.
Molecular consequence: missense variant.
Genome position (GRCh38, 1-based): chrX:133,753,595, C>G on the plus strand (G>C on the coding strand, the complement: GPC3 is on the minus strand). VCF-style: chrX-133753595-C-G. GRCh37 (hg19) VCF-style: chrX-132887622-C-G.
Other names: c.919G>C, p.Val307Leu (NM_001164617.2); c.871G>C, p.Val291Leu (NM_001164618.2); c.757G>C, p.Val253Leu (NM_001164619.2); short protein forms V307L, V253L, V291L.
Identifiers: ClinVar variation 578583 (VCV000578583.11), dbSNP rs780001214, ClinGen allele CA10520776.